The following is an entry in ClinVar:

ClinVar aggregate classification (germline): Conflicting classifications of pathogenicity. Review status: criteria provided, conflicting classifications (1 of 4 stars). 6 submissions from 6 submitters: Uncertain significance (1); Benign (1); Likely benign (4). Last evaluated 2026-01-29.

Conditions:
TTN-related disorder. Also called: TTN-related condition; TTN-related disease; TTN-related disorders.
Cardiovascular phenotype. Identifiers: MedGen CN230736.
Autosomal recessive limb-girdle muscular dystrophy type 2J (LGMDR10). Also called: Limb-girdle muscular dystrophy, type 2J; MUSCULAR DYSTROPHY, LIMB-GIRDLE, AUTOSOMAL RECESSIVE 10. Identifiers: Orphanet 140922, MedGen C1837342, MONDO:0012127, OMIM 608807.
Dilated cardiomyopathy 1G (CMD1G). Identifiers: Orphanet 154, MedGen C1858763, MONDO:0011400, OMIM 604145.

Allele frequency attached by ClinVar (database versions not stated): TOPMed 0.00018; gnomAD exomes 0.00029; ExAC 0.00033; 1000 Genomes Project 30x 0.00172; 1000 Genomes Project 0.00180.
gnomAD v4.1: 259 of 1,613,808 alleles (0.016%); highest among the groups gnomAD compares: South Asian, 0.21%; 2 homozygotes.

Submissions (6):

Labcorp Genetics (formerly Invitae), Labcorp
Classification: Likely benign for Dilated cardiomyopathy 1G; Autosomal recessive limb-girdle muscular dystrophy type 2J. Last evaluated: 2026-01-29. Review status: criteria provided, single submitter. Criteria: Invitae Variant Classification Sherloc (09022015). Collection method: clinical testing. Allele origin: germline.

PreventionGenetics, part of Exact Sciences
Classification: Likely benign for TTN-related condition. Last evaluated: 2024-11-23. Review status: criteria provided, single submitter. Criteria: ACMG Guidelines, 2015. Collection method: clinical testing. Allele origin: germline.
Comment: This variant is classified as likely benign based on ACMG/AMP sequence variant interpretation guidelines (Richards et al. 2015 PMID: 25741868, with internal and published modifications).

Blueprint Genetics
Classification: Likely benign. Last evaluated: 2024-09-27. Review status: criteria provided, single submitter. Criteria: ACMG Guidelines, 2015. Collection method: clinical testing. Allele origin: germline.

GeneDx
Classification: Likely benign. Last evaluated: 2021-09-20. Review status: criteria provided, single submitter. Criteria: GeneDx Variant Classification Process June 2021. Collection method: clinical testing. Allele origin: germline. Affected: yes.
Comment: This variant is associated with the following publications: (PMID: 27930701)

Ambry Genetics
Classification: Benign for Cardiovascular phenotype. Last evaluated: 2020-03-24. Review status: criteria provided, single submitter. Criteria: Ambry Variant Classification Scheme 2023. Collection method: clinical testing. Allele origin: germline.

Eurofins Ntd Llc (ga)
Classification: Uncertain significance. Last evaluated: 2018-06-01. Review status: criteria provided, single submitter. Criteria: EGL ClinVar v180209 classification definitions. Collection method: clinical testing. Allele origin: germline. Observed: 2 variant alleles, 2 heterozygotes.

NM_001267550.2(TTN):c.4208G>C (p.Arg1403Thr)

Genes: TTN (titin; minus strand), LOC101927055 (uncharacterized LOC101927055; plus strand). Cytogenetic location: 2q31.2.
Variant type: single nucleotide variant.
Coding change: c.4208G>C on transcript NM_001267550.2 (MANE Select); coding-DNA position 4208, G replaced by C.
Protein change: p.Arg1403Thr; replaces arginine 1403 with threonine.
Molecular consequence: missense variant.
Genome position (GRCh38, 1-based): chr2:178,778,874, C>G on the plus strand (G>C on the coding strand, the complement: TTN is on the minus strand). VCF-style: chr2-178778874-C-G. GRCh37 (hg19) VCF-style: chr2-179643601-C-G.
Other names: c.4208G>C, p.Arg1403Thr (NM_001256850.1, NM_133378.4, NM_133379.5); c.4070G>C, p.Arg1357Thr (NM_003319.4, NM_133432.3, NM_133437.4); short protein forms R1403T, R1357T.
Identifiers: ClinVar variation 501812 (VCV000501812.23), dbSNP rs531590921, ClinGen allele CA2005386.